The following is an entry in ClinVar:

NM_014714.4(IFT140):c.2919C>T (p.Ala973=)

Genes: IFT140 (intraflagellar transport 140; minus strand), LOC126862260 (CDK7 strongly-dependent group 2 enhancer GRCh37_chr16:1574508-1575707; plus strand). Cytogenetic location: 16p13.3.
Variant type: single nucleotide variant.
Coding change: c.2919C>T on transcript NM_014714.4 (MANE Select); coding-DNA position 2919, C replaced by T.
Protein change: p.Ala973=; no amino-acid change (alanine 973 retained).
Molecular consequence: synonymous variant.
Genome position (GRCh38, 1-based): chr16:1,524,862, G>A on the plus strand (C>T on the coding strand, the complement: IFT140 is on the minus strand). VCF-style: chr16-1524862-G-A. GRCh37 (hg19) VCF-style: chr16-1574863-G-A.
Other names: p.Ala973=.
Identifiers: ClinVar variation 129260 (VCV000129260.26), dbSNP rs2235640, ClinGen allele CA153145.

ClinVar aggregate classification (germline): Benign. Review status: criteria provided, multiple submitters, no conflicts (2 of 4 stars). 13 submissions from 12 submitters: Benign (11). 2 of the submissions do not count toward it. Last evaluated 2026-02-04.

Conditions:
Retinitis pigmentosa 80 (RP80). Identifiers: MedGen C4540439, MONDO:0054708, OMIM 617781.
Retinal dystrophy. Also called: Inherited retinal dystrophy. Identifiers: Orphanet 71862, MedGen C0854723, MeSH D058499, MONDO:0019118, HP:0000556.
Saldino-Mainzer syndrome (SRTD9). Also called: short-rib thoracic dysplasia 9 with or without polydactyly; CONORENAL SYNDROME; SHORT-RIB THORACIC DYSPLASIA 9 WITHOUT POLYDACTYLY; Renal dysplasia, retinal pigmentary dystrophy, cerebellar ataxia and skeletal dysplasia. Identifiers: Orphanet 140969, MedGen C1849437, MONDO:0009964, OMIM 266920.

Allele frequency attached by ClinVar (database versions not stated): gnomAD exomes 0.18304 and 0.19459; TOPMed 0.18392; ESP Exome Variant Server 0.18811; gnomAD 0.19119 and 0.19501; ExAC 0.19852; 1000 Genomes Project 30x 0.22595; 1000 Genomes Project 0.23103.
gnomAD v4.1: 297,942 of 1,612,372 alleles (18%); highest among the groups gnomAD compares: East Asian, 32%; 29,134 homozygotes.

Submissions (13):

Labcorp Genetics (formerly Invitae), Labcorp
Classification: Benign for Saldino-Mainzer syndrome. Last evaluated: 2026-02-04. Review status: criteria provided, single submitter. Criteria: Invitae Variant Classification Sherloc (09022015). Collection method: clinical testing. Allele origin: germline.

Women's Health and Genetics/Laboratory Corporation of America, LabCorp
Classification: Benign. Last evaluated: 2025-09-08. Review status: criteria provided, single submitter. Criteria: LabCorp Variant Classification Summary - May 2015. Collection method: clinical testing. Allele origin: germline.

Blueprint Genetics
Classification: Benign. Last evaluated: 2024-11-27. Review status: criteria provided, single submitter. Criteria: ACMG Guidelines, 2015. Collection method: clinical testing. Allele origin: germline.

Dept Of Ophthalmology, Nagoya University
Classification: Benign for Retinal dystrophy. Last evaluated: 2023-10-01. Review status: criteria provided, single submitter. Criteria: Submitter's publication. Collection method: research. Allele origin: germline. Affected: yes.

Mayo Clinic Laboratories, Mayo Clinic
Classification: Benign. Last evaluated: 2022-03-09. Review status: criteria provided, single submitter. Criteria: ACMG Guidelines, 2015. Collection method: clinical testing. Allele origin: germline. Observed: 23 variant alleles.

Genome-Nilou Lab
Classification: Benign for Retinitis pigmentosa 80. Last evaluated: 2021-07-14. Review status: criteria provided, single submitter. Criteria: ACMG Guidelines, 2015. Collection method: clinical testing. Allele origin: germline. Affected: no.

Genome-Nilou Lab
Classification: Benign for Saldino-Mainzer syndrome. Last evaluated: 2021-07-14. Review status: criteria provided, single submitter. Criteria: ACMG Guidelines, 2015. Collection method: clinical testing. Allele origin: germline. Affected: no.

Illumina Laboratory Services, Illumina
Classification: Benign for Saldino-Mainzer syndrome. Last evaluated: 2018-01-12. Review status: criteria provided, single submitter. Criteria: ICSL Variant Classification Criteria 13 December 2019. Collection method: clinical testing. Allele origin: germline.
Comment: This variant was observed in the ICSL laboratory as part of a predisposition screen in an ostensibly healthy population. It had not been previously curated by ICSL or reported in the Human Gene Mutation Database (HGMD: prior to June 1st, 2018), and was therefore a candidate for classification through an automated scoring system. Utilizing variant allele frequency, disease prevalence and penetrance estimates, and inheritance mode, an automated score was calculated to assess if this variant is too frequent to cause the disease. Based on the score and internal cut-off values, a variant classified as benign is not then subjected to further curation. The score for this variant resulted in a classification of benign for this disease.

GeneDx
Classification: Benign. Last evaluated: 2018-01-02. Review status: criteria provided, single submitter. Criteria: GeneDx Variant Classification (06012015). Collection method: clinical testing. Allele origin: germline. Affected: yes.
Comment: This variant is considered likely benign or benign based on one or more of the following criteria: it is a conservative change, it occurs at a poorly conserved position in the protein, it is predicted to be benign by multiple in silico algorithms, and/or has population frequency not consistent with disease.

Clinical Genetics DNA and cytogenetics Diagnostics Lab, Erasmus MC, Erasmus Medical Center
Classification: Benign for Saldino-Mainzer syndrome. Last evaluated: 2015-09-21. Review status: criteria provided, single submitter. Criteria: ACGS Guidelines, 2013. Collection method: clinical testing. Allele origin: germline. Affected: yes. Study: VKGL Data-share Consensus.

Breakthrough Genomics
Classification: Benign. Review status: criteria provided, single submitter. Criteria: ACMG Guidelines, 2015. Collection method: not provided. Allele origin: germline. Inheritance: Autosomal recessive inheritance. Affected: yes.

Diagnostic Laboratory, Department of Genetics, University Medical Center Groningen
Classification: Benign for Saldino-Mainzer syndrome. Review status: no assertion criteria provided. Collection method: clinical testing. Allele origin: germline. Affected: yes. Study: VKGL Data-share Consensus. Not counted in ClinVar's aggregate classification.

Genetic Services Laboratory, University of Chicago
Classification: Likely benign for AllHighlyPenetrant. Review status: no assertion criteria provided. Collection method: clinical testing. Allele origin: germline. Inheritance: Autosomal recessive inheritance. Not counted in ClinVar's aggregate classification.
Comment: Likely benign based on allele frequency in 1000 Genomes Project or ESP global frequency and its presence in a patient with a rare or unrelated disease phenotype. NOT Sanger confirmed.